The following is an entry in ClinVar:

ClinVar aggregate classification (germline): Conflicting classifications of pathogenicity. Review status: criteria provided, conflicting classifications (1 of 4 stars). 4 submissions from 4 submitters: Uncertain significance (2); Likely benign (2). Last evaluated 2024-12-09.

Conditions:
Inborn genetic diseases. Identifiers: MedGen C0950123, MeSH D030342.
Neuronal ceroid lipofuscinosis. Also called: Neuronal Ceroid Lipofuscinoses. Identifiers: Orphanet 216, Orphanet 79263, MedGen C0027877, MONDO:0016295. Disease mechanism: loss of function.

Allele frequency attached by ClinVar (database versions not stated): ExAC 0.00002; gnomAD exomes 0.00002; gnomAD 0.00005 and 0.00006; ESP Exome Variant Server 0.00008; TOPMed 0.00009.

Submissions (4):

Labcorp Genetics (formerly Invitae), Labcorp
Classification: Uncertain significance for Neuronal ceroid lipofuscinosis. Last evaluated: 2024-12-09. Review status: criteria provided, single submitter. Criteria: Invitae Variant Classification Sherloc (09022015). Collection method: clinical testing. Allele origin: germline.
Comment: This sequence change replaces alanine, which is neutral and non-polar, with threonine, which is neutral and polar, at codon 267 of the CLN6 protein (p.Ala267Thr). This variant is present in population databases (rs374613712, gnomAD 0.02%). This variant has not been reported in the literature in individuals affected with CLN6-related conditions. ClinVar contains an entry for this variant (Variation ID: 205157). Invitae Evidence Modeling of protein sequence and biophysical properties (such as structural, functional, and spatial information, amino acid conservation, physicochemical variation, residue mobility, and thermodynamic stability) indicates that this missense variant is not expected to disrupt CLN6 protein function with a negative predictive value of 80%. In summary, the available evidence is currently insufficient to determine the role of this variant in disease. Therefore, it has been classified as a Variant of Uncertain Significance.

GeneDx
Classification: Likely benign. Last evaluated: 2021-06-18. Review status: criteria provided, single submitter. Criteria: GeneDx Variant Classification Process June 2021. Collection method: clinical testing. Allele origin: germline. Affected: yes.

Blueprint Genetics
Classification: Uncertain significance. Last evaluated: 2019-02-13. Review status: criteria provided, single submitter. Criteria: ACMG Guidelines, 2015. Collection method: clinical testing. Allele origin: germline.

Ambry Genetics
Classification: Likely benign for Inborn genetic diseases. Last evaluated: 2017-06-12. Review status: criteria provided, single submitter. Criteria: Ambry Variant Classification Scheme 2023. Collection method: clinical testing. Allele origin: germline.

NM_017882.3(CLN6):c.799G>A (p.Ala267Thr)

Gene: CLN6 (CLN6 transmembrane ER protein; minus strand). Cytogenetic location: 15q23.
Variant type: single nucleotide variant.
Coding change: c.799G>A on transcript NM_017882.3 (MANE Select); coding-DNA position 799, G replaced by A.
Protein change: p.Ala267Thr; replaces alanine 267 with threonine.
Molecular consequence: missense variant.
Genome position (GRCh38, 1-based): chr15:68,208,277, C>T on the plus strand (G>A on the coding strand, the complement: CLN6 is on the minus strand). VCF-style: chr15-68208277-C-T. GRCh37 (hg19) VCF-style: chr15-68500615-C-T.
Other names: p.A267T:GCA>ACA; short protein forms A267T.
Identifiers: ClinVar variation 205157 (VCV000205157.9), dbSNP rs374613712, ClinGen allele CA313946.